The following is an entry in ClinVar:

NM_000059.4(BRCA2):c.6124C>A (p.Gln2042Lys)

Gene: BRCA2 (BRCA2 DNA repair associated; plus strand). Cytogenetic location: 13q13.1.
Variant type: single nucleotide variant.
Coding change: c.6124C>A on transcript NM_000059.4 (MANE Select); coding-DNA position 6124, C replaced by A.
Protein change: p.Gln2042Lys; replaces glutamine 2042 with lysine.
Molecular consequence: missense variant. On other transcripts: non-coding transcript variant (1), intron variant (2).
Genome position (GRCh38, 1-based): chr13:32,340,479, C>A. VCF-style: chr13-32340479-C-A. GRCh37 (hg19) VCF-style: chr13-32914616-C-A.
Other names: c.6124C>A, p.Gln2042Lys (NM_001406719.1, NM_001406720.1, NM_001432077.1); c.1910-4079C>A (NM_001406721.1); c.425-4079C>A (NM_001406722.1); short protein forms Q2042K.
Identifiers: ClinVar variation 4856437 (VCV004856437.1).

ClinVar aggregate classification (germline): Likely benign (1 of 4 stars; one submission).

Conditions:
Breast-ovarian cancer, familial, susceptibility to, 2 (BROVCA2). Also called: BRCA2 Hereditary Breast and Ovarian Cancer. Identifiers: Orphanet 145, MedGen C2675520, MONDO:0012933, OMIM 612555. Disease mechanism: loss of function.

gnomAD v4.1: 1 of 1,613,334 alleles (0.000062%); highest among the groups gnomAD compares: South Asian, 0.0011%; no homozygotes.

Submission:

Cancer Bioinformatics and Tumour Evolution Laboratory, Monash University
Classification: Likely benign for Breast-ovarian cancer, familial, susceptibility to, 2. Last evaluated: 2026-05-01. Review status: criteria provided, single submitter. Criteria: ClinGen BRCA1 and BRCA2 Guidelines, 2024. Collection method: curation. Allele origin: germline. Inheritance: Autosomal dominant inheritance.
Comment: Missense variant outside of a functional domain with no splice impact. BRCA1 and BRCA2 VCEP guidelines recommend application of BP1_Strong (PMID: 39142283)